The following is an entry in ClinVar:

NM_022552.5(DNMT3A):c.1211A>C (p.Lys404Thr)

Gene: DNMT3A (DNA methyltransferase 3 alpha; minus strand). Cytogenetic location: 2p23.3.
Variant type: single nucleotide variant.
Coding change: c.1211A>C on transcript NM_022552.5 (MANE Select); coding-DNA position 1211, A replaced by C.
Protein change: p.Lys404Thr; replaces lysine 404 with threonine.
Molecular consequence: missense variant. On other transcripts: non-coding transcript variant (1).
Genome position (GRCh38, 1-based): chr2:25,246,688, T>G on the plus strand (A>C on the coding strand, the complement: DNMT3A is on the minus strand). VCF-style: chr2-25246688-T-G. GRCh37 (hg19) VCF-style: chr2-25469557-T-G.
Other names: c.755A>C, p.Lys252Thr (NM_001320893.1); c.542A>C, p.Lys181Thr (NM_001375819.1); c.644A>C, p.Lys215Thr (NM_153759.3); c.1211A>C, p.Lys404Thr (NM_175629.2); short protein forms K181T, K215T, K252T, K404T.
Identifiers: ClinVar variation 5020863 (VCV005020863.1).

ClinVar aggregate classification (germline): Uncertain significance (1 of 4 stars; one submission).

Submission:

Dasa
Classification: Uncertain significance. Last evaluated: 2025-09-16. Review status: criteria provided, single submitter. Criteria: DASA Assertion Criteria. Collection method: clinical testing. Allele origin: germline.
Comment: NM_022552.5(DNMT3A):c.1211A>C (p.Lys404Thr) is a missense variant that results in the substitution of lysine with threonine. This variant is absent from population databases. The currently available literature and clinical evidence are not sufficient to establish a definitive association between this variant and the reported condition. Therefore, this variant is classified as a variant of uncertain significance.